The following is an entry in ClinVar:

NM_006258.4(PRKG1):c.1532G>T (p.Gly511Val)

Gene: PRKG1 (protein kinase cGMP-dependent 1; plus strand). Cytogenetic location: 10q21.1.
Variant type: single nucleotide variant.
Coding change: c.1532G>T on transcript NM_006258.4 (MANE Select); coding-DNA position 1532, G replaced by T.
Protein change: p.Gly511Val; replaces glycine 511 with valine.
Molecular consequence: missense variant.
Genome position (GRCh38, 1-based): chr10:52,280,917, G>T. VCF-style: chr10-52280917-G-T. GRCh37 (hg19) VCF-style: chr10-54040677-G-T.
Other names: c.1487G>T, p.Gly496Val (NM_001098512.3); c.323G>T, p.Gly108Val (NM_001374781.1); short protein forms G108V, G496V, G511V.
Identifiers: ClinVar variation 1774658 (VCV001774658.2), dbSNP rs1841990442, ClinGen allele CA376535116.

ClinVar aggregate classification (germline): Uncertain significance (1 of 4 stars; one submission).

Conditions:
Familial thoracic aortic aneurysm and aortic dissection (TAAD). Also called: Thoracic aortic aneurysms and dissections. Identifiers: Orphanet 91387, MedGen C4707243, MONDO:0019625.

Submission:

Ambry Genetics
Classification: Uncertain significance for Familial thoracic aortic aneurysm and aortic dissection. Last evaluated: 2021-07-18. Review status: criteria provided, single submitter. Criteria: Ambry Variant Classification Scheme 2023. Collection method: clinical testing. Allele origin: germline.
Comment: The p.G511V variant (also known as c.1532G>T), located in coding exon 13 of the PRKG1 gene, results from a G to T substitution at nucleotide position 1532. The glycine at codon 511 is replaced by valine, an amino acid with dissimilar properties. This amino acid position is conserved. In addition, this alteration is predicted to be deleterious by in silico analysis. Since supporting evidence is limited at this time, the clinical significance of this alteration remains unclear.